The following is an entry in ClinVar:

ClinVar aggregate classification (germline): Pathogenic (1 of 4 stars; one submission).

Conditions:
Factor H deficiency (CFHD). Also called: COMPLEMENT FACTOR H DEFICIENCY; CFH DEFICIENCY. Identifiers: Orphanet 200421, MedGen C0398777, MONDO:0012350, OMIM 609814.

Submission:

Genomenon, Inc
Classification: Pathogenic for Factor H deficiency. Last evaluated: 2026-09-17. Review status: criteria provided, single submitter. Criteria: Genomenon Sequence Variant Interpretation Standards - Updated. Collection method: curation. Allele origin: germline. Affected: yes.
Comment: CFH p.Tyr1008Ter (c.3024_3025del) is a nonsense variant that introduces a premature stop codon at amino acid position 1008 and is predicted to result in a truncated or absent protein product. This variant has been observed in at least one proband affected with complement factor H deficiency (PMID: 29030465). It is absent or not present at a significant frequency in gnomAD. In conclusion, we classify CFH p.Tyr1008Ter (c.3024_3025del) as a pathogenic variant.

Literature cited by the submitters: PubMed 29030465.

NM_000186.4(CFH):c.3024_3025del (p.Tyr1008_Lys1009delinsTer)

Gene: CFH (complement factor H; plus strand). Cytogenetic location: 1q31.3.
Variant type: Microsatellite.
Coding change: c.3024_3025del on transcript NM_000186.4 (MANE Select); coding-DNA positions 3024 to 3025, 2 bases deleted (TA; older notation c.3024_3025delTA).
Protein change: p.Tyr1008_Lys1009delinsTer.
Molecular consequence: nonsense.
Genome position (GRCh38, 1-based): chr1:196,741,942-196,741,943, TA deleted; deleting any 2 consecutive bases within chr1:196,741,940-196,741,943 gives the same sequence; the c. name uses the placement nearest the transcript's 3' end. VCF-style (leftmost placement, unchanged base first): chr1-196741939-GTA-G. GRCh37 (hg19) VCF-style: chr1-196711069-GTA-G.
Identifiers: ClinVar variation 4976855 (VCV004976855.1).